The following is an entry in ClinVar:

NM_001358921.2(COQ2):c.34G>C (p.Gly12Arg)

Genes: COQ2 (coenzyme Q2, polyprenyltransferase; minus strand), LOC112997540 (Sharpr-MPRA regulatory region 13773; plus strand). Cytogenetic location: 4q21.23.
Variant type: single nucleotide variant.
Coding change: c.34G>C on transcript NM_001358921.2 (MANE Select); coding-DNA position 34, G replaced by C.
Protein change: p.Gly12Arg; replaces glycine 12 with arginine.
Molecular consequence: missense variant.
Genome position (GRCh38, 1-based): chr4:83,284,731, C>G on the plus strand (G>C on the coding strand, the complement: COQ2 is on the minus strand). VCF-style: chr4-83284731-C-G. GRCh37 (hg19) VCF-style: chr4-84205884-C-G.
Other names: p.G62R:GGC>CGC; c.184G>C, p.Gly62Arg (NM_015697.9); short protein forms G62R, G12R.
Identifiers: ClinVar variation 214227 (VCV000214227.3), dbSNP rs863223934, ClinGen allele CA320884.
Genomic context (GRCh38, chr4:83,284,731, plus strand): 5'-CCAGGGCGAAGGAGCGGCCCCGCCAGCCCGGCAGCCACGCCAGTGCCACAGCCCGCAGGC[C>G]CCGCGCGAACCCCGCGGCTCGCGAGCCCAGCATGGCGCTGGTGAGGCCGGGACGAGCTCG-3'
Protein context (NP_001345850.1, residues 2-22): LGSRAAGFAR[Gly12Arg]LRAVALAWLP

ClinVar aggregate classification (germline): Uncertain significance (1 of 4 stars; one submission).

gnomAD v4.1: 10 of 1,521,142 alleles (0.00066%); highest among the groups gnomAD compares: African/African-American, 0.0014%; no homozygotes.

Submission:

GeneDx
Classification: Uncertain significance. Last evaluated: 2026-10-19. Review status: criteria provided, single submitter. Criteria: GeneDx Variant Classification Process June 2021. Collection method: clinical testing. Allele origin: germline.
Comment: Has not been previously published as pathogenic or benign to our knowledge; Not observed at significant frequency in large population cohorts (gnomAD); In silico analysis suggests that this missense variant does not alter protein structure/function